The following is an entry in ClinVar:

ClinVar aggregate classification (germline): Uncertain significance. Review status: criteria provided, multiple submitters, no conflicts (2 of 4 stars). 2 submissions from 2 submitters: Uncertain significance (2). Last evaluated 2026-06-04.

Conditions:
Inborn genetic diseases. Identifiers: MedGen C0950123, MeSH D030342.
WDPCP-related disorder. Also called: WDPCP-related condition.

gnomAD v4.1: 1 of 1,614,094 alleles (0.000062%); highest among the groups gnomAD compares: Non-Finnish European, 0.000085%; no homozygotes.

Submissions (2):

PreventionGenetics, part of Exact Sciences
Classification: Uncertain significance for WDPCP-related condition. Last evaluated: 2026-06-04. Review status: criteria provided, single submitter. Criteria: ACMG Guidelines, 2015. Collection method: clinical testing. Allele origin: germline.
Comment: The WDPCP c.1191C>G variant is predicted to result in the amino acid substitution p.Asn397Lys. To our knowledge, this variant has not been reported in the literature or in a large population database (gnomAD), indicating this variant is rare. At this time, the clinical significance of this variant is uncertain due to the absence of conclusive functional and genetic evidence.

Ambry Genetics
Classification: Uncertain significance for Inborn genetic diseases. Last evaluated: 2025-09-22. Review status: criteria provided, single submitter. Criteria: Ambry Variant Classification Scheme 2023. Collection method: clinical testing. Allele origin: germline.

NM_015910.7(WDPCP):c.1191C>G (p.Asn397Lys)

Gene: WDPCP (WD repeat containing planar cell polarity effector; minus strand). Cytogenetic location: 2p15.
Variant type: single nucleotide variant.
Coding change: c.1191C>G on transcript NM_015910.7 (MANE Select); coding-DNA position 1191, C replaced by G.
Protein change: p.Asn397Lys; replaces asparagine 397 with lysine.
Molecular consequence: missense variant. On other transcripts: non-coding transcript variant (3).
Genome position (GRCh38, 1-based): chr2:63,404,292, G>C on the plus strand (C>G on the coding strand, the complement: WDPCP is on the minus strand). VCF-style: chr2-63404292-G-C. GRCh37 (hg19) VCF-style: chr2-63631427-G-C.
Other names: c.714C>G, p.Asn238Lys (NM_001042692.3); c.1119C>G, p.Asn373Lys (NM_001354044.2); c.1191C>G, p.Asn397Lys (NM_001354045.2); short protein forms N238K, N397K, N373K.
Identifiers: ClinVar variation 4634641 (VCV004634641.2).